The following is an entry in ClinVar:

NM_001009944.3(PKD1):c.9224A>C (p.Tyr3075Ser)

Gene: PKD1 (polycystin 1, transient receptor potential channel interacting; minus strand). Cytogenetic location: 16p13.3.
Variant type: single nucleotide variant.
Coding change: c.9224A>C on transcript NM_001009944.3 (MANE Select); coding-DNA position 9224, A replaced by C.
Protein change: p.Tyr3075Ser; replaces tyrosine 3075 with serine.
Molecular consequence: missense variant.
Genome position (GRCh38, 1-based): chr16:2,102,234, T>G on the plus strand (A>C on the coding strand, the complement: PKD1 is on the minus strand). VCF-style: chr16-2102234-T-G. GRCh37 (hg19) VCF-style: chr16-2152235-T-G.
Other names: c.9224A>C, p.Tyr3075Ser (NM_000296.4); short protein forms Y3075S.
Identifiers: ClinVar variation 1312935 (VCV001312935.4), dbSNP rs886265852, ClinGen allele CA276775145.

ClinVar aggregate classification (germline): Uncertain significance. Review status: criteria provided, multiple submitters, no conflicts (2 of 4 stars). 2 submissions from 2 submitters: Uncertain significance (2). Last evaluated 2024-03-04.

Conditions:
Polycystic kidney disease, adult type (PKD1). Also called: Polycystic Kidney Disease 1, Autosomal Dominant; Polycystic kidney disease 1; Polycystic kidney disease 1, severe; POLYCYSTIC KIDNEY DISEASE 1 WITH OR WITHOUT POLYCYSTIC LIVER DISEASE; POLYCYSTIC KIDNEY DISEASE, ADULT, TYPE I; Polycystic Kidney, Autosomal Dominant. Identifiers: MedGen C3149841, MONDO:0008263, OMIM 173900.

Allele frequency attached by ClinVar (database versions not stated): gnomAD exomes below 0.00001; TOPMed 0.00003; gnomAD 0.00005.

Submissions (2):

Fulgent Genetics
Classification: Uncertain significance for Polycystic kidney disease, adult type. Last evaluated: 2024-03-04. Review status: criteria provided, single submitter. Criteria: ACMG Guidelines, 2015. Collection method: clinical testing. Allele origin: germline.

GeneDx
Classification: Uncertain significance. Last evaluated: 2020-07-02. Review status: criteria provided, single submitter. Criteria: GeneDx Variant Classification Process June 2021. Collection method: clinical testing. Allele origin: germline. Affected: yes.
Comment: Not observed in large population cohorts (Lek et al., 2016); In silico analysis supports that this missense variant does not alter protein structure/function; Has not been previously published as pathogenic or benign to our knowledge